The following is an entry in ClinVar:

NM_198075.4(LRRC56):c.1550G>A (p.Gly517Asp)

Gene: LRRC56 (leucine rich repeat containing 56; plus strand). Cytogenetic location: 11p15.5.
Variant type: single nucleotide variant.
Coding change: c.1550G>A on transcript NM_198075.4 (MANE Select); coding-DNA position 1550, G replaced by A.
Protein change: p.Gly517Asp; replaces glycine 517 with aspartic acid.
Molecular consequence: missense variant.
Genome position (GRCh38, 1-based): chr11:554,197, G>A. VCF-style: chr11-554197-G-A. GRCh37 (hg19) VCF-style: chr11-554197-G-A.
Other names: c.1550G>A (NM_198075.3); short protein forms G517D.
Identifiers: ClinVar variation 2198190 (VCV002198190.3), dbSNP rs779494932, ClinGen allele CA5780135.

ClinVar aggregate classification (germline): Uncertain significance. Review status: criteria provided, multiple submitters, no conflicts (2 of 4 stars). 2 submissions from 2 submitters: Uncertain significance (2). Last evaluated 2023-06-06.

Allele frequency attached by ClinVar (database versions not stated): gnomAD 0.00002; gnomAD exomes 0.00002; ExAC 0.00003; TOPMed 0.00004.
gnomAD v4.1: 37 of 1,556,310 alleles (0.0024%); highest among the groups gnomAD compares: East Asian, 0.048%; no homozygotes.

Submissions (2):

Ambry Genetics
Classification: Uncertain significance. Last evaluated: 2023-06-06. Review status: criteria provided, single submitter. Criteria: Ambry Variant Classification Scheme 2023. Collection method: clinical testing. Allele origin: germline.

Labcorp Genetics (formerly Invitae), Labcorp
Classification: Uncertain significance. Last evaluated: 2022-10-12. Review status: criteria provided, single submitter. Criteria: Invitae Variant Classification Sherloc (09022015). Collection method: clinical testing. Allele origin: germline.
Comment: This sequence change replaces glycine, which is neutral and non-polar, with aspartic acid, which is acidic and polar, at codon 517 of the LRRC56 protein (p.Gly517Asp). The frequency data for this variant in the population databases is considered unreliable, as metrics indicate poor data quality at this position in the gnomAD database. This variant has not been reported in the literature in individuals affected with LRRC56-related conditions. Algorithms developed to predict the effect of missense changes on protein structure and function output the following: SIFT: "Tolerated"; PolyPhen-2: "Probably Damaging"; Align-GVGD: "Class C0". The aspartic acid amino acid residue is found in multiple mammalian species, which suggests that this missense change does not adversely affect protein function. In summary, the available evidence is currently insufficient to determine the role of this variant in disease. Therefore, it has been classified as a Variant of Uncertain Significance.